The following is an entry in ClinVar:

NM_018897.3(DNAH7):c.10585C>T (p.Pro3529Ser)

Gene: DNAH7 (dynein axonemal heavy chain 7; minus strand). Cytogenetic location: 2q32.3.
Variant type: single nucleotide variant.
Coding change: c.10585C>T on transcript NM_018897.3 (MANE Select); coding-DNA position 10585, C replaced by T.
Protein change: p.Pro3529Ser; replaces proline 3529 with serine.
Molecular consequence: missense variant.
Genome position (GRCh38, 1-based): chr2:195,794,469, G>A on the plus strand (C>T on the coding strand, the complement: DNAH7 is on the minus strand). VCF-style: chr2-195794469-G-A. GRCh37 (hg19) VCF-style: chr2-196659193-G-A.
Other names: short protein forms P3529S.
Identifiers: ClinVar variation 3372334 (VCV003372334.1).

ClinVar aggregate classification (germline): Uncertain significance (1 of 4 stars; one submission).

gnomAD v4.1: 17 of 1,614,134 alleles (0.0011%); highest among the groups gnomAD compares: Non-Finnish European, 0.0014%; no homozygotes.

Submission:

GeneDx
Classification: Uncertain significance. Last evaluated: 2024-04-11. Review status: criteria provided, single submitter. Criteria: GeneDx Variant Classification Process June 2021. Collection method: clinical testing. Allele origin: germline. Affected: yes.
Comment: Not observed at significant frequency in large population cohorts (gnomAD); In silico analysis supports that this missense variant has a deleterious effect on protein structure/function; Has not been previously published as pathogenic or benign to our knowledge